The following is an entry in ClinVar:

NM_001029896.2(WDR45):c.692T>C (p.Leu231Pro)

Gene: WDR45 (WD repeat domain 45; minus strand). Cytogenetic location: Xp11.23.
Variant type: single nucleotide variant.
Coding change: c.692T>C on transcript NM_001029896.2 (MANE Select); coding-DNA position 692, T replaced by C.
Protein change: p.Leu231Pro; replaces leucine 231 with proline.
Molecular consequence: missense variant.
Genome position (GRCh38, 1-based): chrX:49,075,578, A>G on the plus strand (T>C on the coding strand, the complement: WDR45 is on the minus strand). VCF-style: chrX-49075578-A-G. GRCh37 (hg19) VCF-style: chrX-48933237-A-G.
Other names: c.695T>C, p.Leu232Pro (NM_007075.4); short protein forms L231P, L232P.
Identifiers: ClinVar variation 3368188 (VCV003368188.2).

ClinVar aggregate classification (germline): Likely pathogenic (1 of 4 stars; one submission).

Submission:

GeneDx
Classification: Likely pathogenic. Last evaluated: 2025-11-08. Review status: criteria provided, single submitter. Criteria: GeneDx Variant Classification Process June 2021. Collection method: clinical testing. Allele origin: germline.
Comment: Not observed at significant frequency in large population cohorts (gnomAD); In silico analysis supports that this missense variant has a deleterious effect on protein structure/function; Has not been previously published as pathogenic or benign to our knowledge